The following is an entry in ClinVar:

NM_018297.4(NGLY1):c.1303C>T (p.Gln435Ter)

Gene: NGLY1 (N-glycanase 1; minus strand). Cytogenetic location: 3p24.2.
Variant type: single nucleotide variant.
Coding change: c.1303C>T on transcript NM_018297.4 (MANE Select); coding-DNA position 1303, C replaced by T.
Protein change: p.Gln435Ter; replaces glutamine 435 with a stop codon.
Molecular consequence: nonsense.
Genome position (GRCh38, 1-based): chr3:25,732,441, G>A on the plus strand (C>T on the coding strand, the complement: NGLY1 is on the minus strand). VCF-style: chr3-25732441-G-A. GRCh37 (hg19) VCF-style: chr3-25773932-G-A.
Other names: c.1249C>T, p.Gln417Ter (NM_001145293.2); c.1177C>T, p.Gln393Ter (NM_001145294.2); c.1303C>T, p.Gln435Ter (NM_001145295.2); c.1303C>T (NM_018297.3); short protein forms Q417*, Q435*, Q393*.
Identifiers: ClinVar variation 2899024 (VCV002899024.4), dbSNP rs1043604336, ClinGen allele CA71653104.

ClinVar aggregate classification (germline): Pathogenic. Review status: criteria provided, single submitter (1 of 4 stars). 2 submissions from 2 submitters: Pathogenic (1). 1 of the submissions does not count toward it. Last evaluated 2024-07-31.

Conditions:
NGLY1-related disorder. Also called: NGLY1-related condition.
Congenital disorder of deglycosylation (CDDG). Identifiers: MedGen C3808991, MONDO:0031376.

Allele frequency attached by ClinVar (database versions not stated): gnomAD 0.00001; gnomAD exomes 0.00001.
gnomAD v4.1: 5 of 1,613,396 alleles (0.00031%); highest among the groups gnomAD compares: Non-Finnish European, 0.00042%; no homozygotes.

Submissions (2):

Labcorp Genetics (formerly Invitae), Labcorp
Classification: Pathogenic for Congenital disorder of deglycosylation. Last evaluated: 2024-07-31. Review status: criteria provided, single submitter. Criteria: Invitae Variant Classification Sherloc (09022015). Collection method: clinical testing. Allele origin: germline.
Comment: This sequence change creates a premature translational stop signal (p.Gln435*) in the NGLY1 gene. It is expected to result in an absent or disrupted protein product. Loss-of-function variants in NGLY1 are known to be pathogenic (PMID: 24651605). This variant is not present in population databases (gnomAD no frequency). This variant has not been reported in the literature in individuals affected with NGLY1-related conditions. Algorithms developed to predict the effect of sequence changes on RNA splicing suggest that this variant may disrupt the consensus splice site. For these reasons, this variant has been classified as Pathogenic.

PreventionGenetics, part of Exact Sciences
Classification: Likely pathogenic for NGLY1-related condition. Last evaluated: 2024-03-06. Review status: no assertion criteria provided. Collection method: clinical testing. Allele origin: germline. Not counted in ClinVar's aggregate classification.
Comment: The NGLY1 c.1303C>T variant is predicted to result in premature protein termination (p.Gln435*). To our knowledge, this variant has not been reported in the literature or in a large population database, indicating this variant is rare. Nonsense variants in NGLY1 are expected to be pathogenic. This variant is interpreted as likely pathogenic.

Literature cited by the submitters: PubMed 24651605 (cited by Labcorp Genetics (formerly Invitae), Labcorp).